The following is an entry in ClinVar:

ClinVar aggregate classification (germline): Uncertain significance (1 of 4 stars; one submission).

Conditions:
Ullrich congenital muscular dystrophy 2 (UCMD2). Identifiers: Orphanet 75840, MedGen C4225314, MONDO:0014654, OMIM 616470.
Bethlem myopathy 2 (BTHLM2). Identifiers: Orphanet 536516, Orphanet 610, MedGen C4225313, MONDO:0034022, OMIM 616471.

Allele frequency attached by ClinVar (database versions not stated): TOPMed below 0.00001; gnomAD 0.00001; gnomAD exomes 0.00001.
gnomAD v4.1: 9 of 1,612,586 alleles (0.00056%); highest among the groups gnomAD compares: Non-Finnish European, 0.00068%; no homozygotes.

Submission:

Labcorp Genetics (formerly Invitae), Labcorp
Classification: Uncertain significance for Bethlem myopathy 2; Ullrich congenital muscular dystrophy 2. Last evaluated: 2025-09-17. Review status: criteria provided, single submitter. Criteria: Invitae Variant Classification Sherloc (09022015). Collection method: clinical testing. Allele origin: germline.
Comment: This sequence change replaces threonine, which is neutral and polar, with asparagine, which is neutral and polar, at codon 1176 of the COL12A1 protein (p.Thr1176Asn). This variant is not present in population databases (gnomAD no frequency). This variant has not been reported in the literature in individuals affected with COL12A1-related conditions. ClinVar contains an entry for this variant (Variation ID: 861547). Invitae Evidence Modeling of protein sequence and biophysical properties (such as structural, functional, and spatial information, amino acid conservation, physicochemical variation, residue mobility, and thermodynamic stability) has been performed for this missense variant. However, the output from this modeling did not meet the statistical confidence thresholds required to predict the impact of this variant on COL12A1 protein function. In summary, the available evidence is currently insufficient to determine the role of this variant in disease. Therefore, it has been classified as a Variant of Uncertain Significance.

NM_004370.6(COL12A1):c.3527C>A (p.Thr1176Asn)

Gene: COL12A1 (collagen type XII alpha 1 chain; minus strand). Cytogenetic location: 6q13.
Variant type: single nucleotide variant.
Coding change: c.3527C>A on transcript NM_004370.6 (MANE Select); coding-DNA position 3527, C replaced by A.
Protein change: p.Thr1176Asn; replaces threonine 1176 with asparagine.
Molecular consequence: missense variant. On other transcripts: intron variant (1).
Genome position (GRCh38, 1-based): chr6:75,154,454, G>T on the plus strand (C>A on the coding strand, the complement: COL12A1 is on the minus strand). VCF-style: chr6-75154454-G-T. GRCh37 (hg19) VCF-style: chr6-75864170-G-T.
Other names: c.74-1972C>A (NM_080645.3); short protein forms T1176N.
Identifiers: ClinVar variation 861547 (VCV000861547.10), dbSNP rs1003693918, ClinGen allele CA141006722.